The following is an entry in ClinVar:

ClinVar aggregate classification (germline): Uncertain significance (1 of 4 stars; one submission).

Conditions:
Charcot-Marie-Tooth disease axonal type 2O. Also called: CHARCOT-MARIE-TOOTH NEUROPATHY, AXONAL, TYPE 2O; CHARCOT-MARIE-TOOTH DISEASE, AXONAL, AUTOSOMAL DOMINANT, TYPE 2O; Charcot-Marie-Tooth Neuropathy Type 2O; Charcot-Marie-Tooth disease, axonal, type 20. Identifiers: Orphanet 284232, MedGen C3280220, MONDO:0013644, OMIM 614228.

Submission:

Labcorp Genetics (formerly Invitae), Labcorp
Classification: Uncertain significance for Charcot-Marie-Tooth disease axonal type 2O. Last evaluated: 2017-08-15. Review status: criteria provided, single submitter. Criteria: Invitae Variant Classification Sherloc (09022015). Collection method: clinical testing. Allele origin: germline.
Comment: In summary, the available evidence is currently insufficient to determine the role of this variant in disease. Therefore, it has been classified as a Variant of Uncertain Significance. The current clinical and genetic evidence is not sufficient to establish whether loss-of-function variants in DYNC1H1 cause disease. This variant has not been reported in the literature in individuals with DYNC1H1-related disease. This variant is not present in population databases (ExAC no frequency). This sequence change creates a premature translational stop signal (p.Asn1832Thrfs*59) in the DYNC1H1 gene. It is expected to result in an absent or disrupted protein product.

NM_001376.5(DYNC1H1):c.5495del (p.Asn1832fs)

Gene: DYNC1H1 (dynein cytoplasmic 1 heavy chain 1; plus strand). Cytogenetic location: 14q32.31.
Variant type: Deletion.
Coding change: c.5495del on transcript NM_001376.5 (MANE Select); coding-DNA position 5495, one base deleted (A; older notation c.5495delA).
Protein change: p.Asn1832fs; shifts the reading frame from asparagine 1832.
Molecular consequence: frameshift variant.
Genome position (GRCh38, 1-based): chr14:102,005,949, A deleted; the last of 2 consecutive A bases (chr14:102,005,948-102,005,949); deleting either gives the same sequence. VCF-style (leftmost placement, unchanged base first): chr14-102005947-CA-C. GRCh37 (hg19) VCF-style: chr14-102472284-CA-C.
Other names: short protein forms N1832fs.
Identifiers: ClinVar variation 539788 (VCV000539788.6), dbSNP rs1555409622, ClinGen allele CA658798264.